The following is an entry in ClinVar:

NM_001015880.2(PAPSS2):c.1129C>T (p.Gln377Ter)

Gene: PAPSS2 (3'-phosphoadenosine 5'-phosphosulfate synthase 2; plus strand). Cytogenetic location: 10q23.31.
Variant type: single nucleotide variant.
Coding change: c.1129C>T on transcript NM_001015880.2 (MANE Select); coding-DNA position 1129, C replaced by T.
Protein change: p.Gln377Ter; replaces glutamine 377 with a stop codon.
Molecular consequence: nonsense.
Genome position (GRCh38, 1-based): chr10:87,741,277, C>T. VCF-style: chr10-87741277-C-T. GRCh37 (hg19) VCF-style: chr10-89501034-C-T.
Other names: c.1114C>T, p.Gln372Ter (NM_004670.4); short protein forms Q372*, Q377*.
Identifiers: ClinVar variation 3621073 (VCV003621073.2).

ClinVar aggregate classification (germline): Pathogenic (1 of 4 stars; one submission).

Conditions:
Spondyloepimetaphyseal dysplasia, PAPSS2 type. Also called: BRACHYOLMIA TYPE 4 WITH MILD EPIPHYSEAL AND METAPHYSEAL CHANGES; SPONDYLODYSPLASIA AND PREMATURE PUBARCHE; SEMD, PAKISTANI TYPE. Identifiers: Orphanet 93282, MedGen C2748516, MONDO:0019666, OMIM 612847.

Submission:

Labcorp Genetics (formerly Invitae), Labcorp
Classification: Pathogenic for Spondyloepimetaphyseal dysplasia, PAPSS2 type. Last evaluated: 2024-10-30. Review status: criteria provided, single submitter. Criteria: Invitae Variant Classification Sherloc (09022015). Collection method: clinical testing. Allele origin: germline.
Comment: This sequence change creates a premature translational stop signal (p.Gln377*) in the PAPSS2 gene. It is expected to result in an absent or disrupted protein product. Loss-of-function variants in PAPSS2 are known to be pathogenic (PMID: 22791835, 23633440). This variant is not present in population databases (gnomAD no frequency). This variant has not been reported in the literature in individuals affected with PAPSS2-related conditions. For these reasons, this variant has been classified as Pathogenic.

Literature cited by the submitters: PubMed 22791835; PubMed 23633440.